The following is an entry in ClinVar:

NM_001042492.3(NF1):c.2410-8G>A

Gene: NF1 (neurofibromin 1; plus strand). Cytogenetic location: 17q11.2.
Variant type: single nucleotide variant.
Coding change: c.2410-8G>A on transcript NM_001042492.3 (MANE Select); 8 bases into the intron before coding-DNA position 2410, G replaced by A.
Molecular consequence: intron variant.
Genome position (GRCh38, 1-based): chr17:31,229,017, G>A. VCF-style: chr17-31229017-G-A. GRCh37 (hg19) VCF-style: chr17-29556035-G-A.
Other names: c.2410-8G>A (NM_000267.4).
Identifiers: ClinVar variation 404455 (VCV000404455.10), dbSNP rs1060500270, ClinGen allele CA16615611.
Genomic context (GRCh38, chr17:31,229,017, plus strand): 5'-AGCATAATTTGTCAAGTCTCAACTAATTAAGGTTTAATTCATGCTTTGCACAAAAATTTT[G>A]TGTTTAGGCTGCTGAAAGCCTTCACAAGACCATTGTTAAGAGGCGAATGTCCCATGTGAG-3'

ClinVar aggregate classification (germline): Conflicting classifications of pathogenicity. Review status: criteria provided, conflicting classifications (1 of 4 stars). 4 submissions from 4 submitters: Uncertain significance (2); Likely benign (2). Last evaluated 2026-05-12.

Conditions:
Hereditary cancer-predisposing syndrome. Also called: Hereditary Cancer Syndrome; Neoplastic Syndromes, Hereditary; Hereditary neoplastic syndrome; Tumor predisposition. Identifiers: Orphanet 140162, MedGen C0027672, MeSH D009386, MONDO:0015356.
Neurofibromatosis, type 1 (NF1). Also called: VON RECKLINGHAUSEN DISEASE; NEUROFIBROMATOSIS, TYPE I, SOMATIC; Neurofibromatosis, type I; Peripheral type neurofibromatosis. Identifiers: Orphanet 636, MedGen C0027831, MONDO:0018975, OMIM 162200. Disease mechanism: loss of function.

Allele frequency attached by ClinVar (database versions not stated): gnomAD 0.00001; gnomAD exomes 0.00001; TOPMed 0.00002.
gnomAD v4.1: 6 of 1,591,906 alleles (0.00038%); highest among the groups gnomAD compares: African/African-American, 0.0081%; no homozygotes.

Submissions (4):

Myriad Genetics, Inc.
Classification: Likely benign for Neurofibromatosis, type 1. Last evaluated: 2026-05-12. Review status: criteria provided, single submitter. Criteria: Myriad Autosomal Dominant, Autosomal Recessive and X-Linked Classification Criteria (2023). Collection method: clinical testing. Allele origin: unknown.
Comment: This variant is considered likely benign. This variant is intronic and is not expected to impact mRNA splicing.

Labcorp Genetics (formerly Invitae), Labcorp
Classification: Likely benign for Neurofibromatosis, type 1. Last evaluated: 2026-01-20. Review status: criteria provided, single submitter. Criteria: Invitae Variant Classification Sherloc (09022015). Collection method: clinical testing. Allele origin: germline.

Genome-Nilou Lab
Classification: Uncertain significance for Neurofibromatosis, type 1. Last evaluated: 2022-03-15. Review status: criteria provided, single submitter. Criteria: ACMG Guidelines, 2015. Collection method: clinical testing. Allele origin: germline. Affected: no.

Sema4
Classification: Uncertain significance for Hereditary cancer-predisposing syndrome. Last evaluated: 2021-07-19. Review status: criteria provided, single submitter. Criteria: Sema4 Curation Guidelines. Collection method: curation. Allele origin: germline.
Comment: The NF1 c.2410-8G>A variant has not been reported in the literature to our knowledge. It was observed in 1/8706 chromosomes of the African/African American subpopulation in the large and broad cohorts of the Genome Aggregation Database. The variant has been reported in ClinVar (Variation ID: 404455). In silico tools suggest the impact of the variant on protein function is benign, though these predictions have not been confirmed by functional studies. The evidence is insufficient to meet ACMG/AMP criteria for classifying the variant as benign or pathogenic. Thus, the clinical significance of this variant is currently uncertain.